The following is an entry in ClinVar:

ClinVar aggregate classification (germline): Pathogenic (1 of 4 stars; one submission).

Conditions:
Primary ciliary dyskinesia. Also called: Ciliary dyskinesia. Identifiers: Orphanet 244, MedGen C0008780, MONDO:0016575, HP:0012265.

Submission:

Labcorp Genetics (formerly Invitae), Labcorp
Classification: Pathogenic for Primary ciliary dyskinesia. Last evaluated: 2019-12-09. Review status: criteria provided, single submitter. Criteria: Invitae Variant Classification Sherloc (09022015). Collection method: clinical testing. Allele origin: germline.
Comment: Loss-of-function variants in DNAH5 are known to be pathogenic (PMID: 11788826, 16627867). This variant has not been reported in the literature in individuals with DNAH5-related conditions. This variant is not present in population databases (ExAC no frequency). This sequence change creates a premature translational stop signal (p.Leu2202*) in the DNAH5 gene. It is expected to result in an absent or disrupted protein product. For these reasons, this variant has been classified as Pathogenic.

Literature cited by the submitters: PubMed 11788826; PubMed 16627867.

NM_001369.3(DNAH5):c.6605del (p.Phe2201_Leu2202insTer)

Gene: DNAH5 (dynein axonemal heavy chain 5; minus strand). Cytogenetic location: 5p15.2.
Variant type: Deletion.
Coding change: c.6605del on transcript NM_001369.3 (MANE Select); coding-DNA position 6605, one base deleted (T; older notation c.6605delT).
Protein change: p.Phe2201_Leu2202insTer.
Molecular consequence: nonsense.
Genome position (GRCh38, 1-based): chr5:13,823,345, A deleted on the plus strand (T on the coding strand, the reverse complement: DNAH5 is on the minus strand); the first of 5 consecutive A bases (chr5:13,823,345-13,823,349); deleting any one gives the same sequence. VCF-style (leftmost placement, unchanged base first): chr5-13823344-CA-C. GRCh37 (hg19) VCF-style: chr5-13823453-CA-C.
Identifiers: ClinVar variation 864614 (VCV000864614.8), dbSNP rs1762470883, ClinGen allele CA916082687.